The following is an entry in ClinVar:

ClinVar aggregate classification (germline): Pathogenic (1 of 4 stars; one submission).

Conditions:
Neurofibromatosis, type 1 (NF1). Also called: VON RECKLINGHAUSEN DISEASE; NEUROFIBROMATOSIS, TYPE I, SOMATIC; Peripheral type neurofibromatosis; Neurofibromatosis, type I. Identifiers: Orphanet 636, MedGen C0027831, MONDO:0018975, OMIM 162200. Disease mechanism: loss of function.

Submission:

Labcorp Genetics (formerly Invitae), Labcorp
Classification: Pathogenic for Neurofibromatosis, type 1. Last evaluated: 2024-12-02. Review status: criteria provided, single submitter. Criteria: Invitae Variant Classification Sherloc (09022015). Collection method: clinical testing. Allele origin: germline.
Comment: This sequence change replaces methionine, which is neutral and non-polar, with arginine, which is basic and polar, at codon 242 of the NF1 protein (p.Met242Arg). This variant is not present in population databases (gnomAD no frequency). This missense change has been observed in individual(s) with clinical features of NF1-related disease (internal data). In at least one individual the variant was observed to be de novo. ClinVar contains an entry for this variant (Variation ID: 1042977). Invitae Evidence Modeling of protein sequence and biophysical properties (such as structural, functional, and spatial information, amino acid conservation, physicochemical variation, residue mobility, and thermodynamic stability) indicates that this missense variant is expected to disrupt NF1 protein function with a positive predictive value of 95%. For these reasons, this variant has been classified as Pathogenic.

NM_001042492.3(NF1):c.725T>G (p.Met242Arg)

Gene: NF1 (neurofibromin 1; plus strand). Cytogenetic location: 17q11.2.
Variant type: single nucleotide variant.
Coding change: c.725T>G on transcript NM_001042492.3 (MANE Select); coding-DNA position 725, T replaced by G.
Protein change: p.Met242Arg; replaces methionine 242 with arginine.
Molecular consequence: missense variant.
Genome position (GRCh38, 1-based): chr17:31,181,780, T>G. VCF-style: chr17-31181780-T-G. GRCh37 (hg19) VCF-style: chr17-29508798-T-G.
Other names: c.725T>G, p.Met242Arg (NM_000267.4, NM_001128147.3); short protein forms M242R.
Identifiers: ClinVar variation 1042977 (VCV001042977.5), dbSNP rs1555608765, ClinGen allele CA398990217.